The following is an entry in ClinVar:

NM_004548.3(NDUFB10):c.409+3G>A

Genes: NDUFB10 (NADH:ubiquinone oxidoreductase subunit B10; plus strand), LOC130058198 (ATAC-STARR-seq lymphoblastoid active region 10241; plus strand). Cytogenetic location: 16p13.3.
Variant type: single nucleotide variant.
Coding change: c.409+3G>A on transcript NM_004548.3 (MANE Select); 3 bases into the intron after coding-DNA position 409, G replaced by A.
Molecular consequence: intron variant.
Genome position (GRCh38, 1-based): chr16:1,961,639, G>A. VCF-style: chr16-1961639-G-A. GRCh37 (hg19) VCF-style: chr16-2011640-G-A.
Identifiers: ClinVar variation 2881860 (VCV002881860.3), dbSNP rs2548244609, ClinGen allele CA394265177.
Genomic context (GRCh38, chr16:1,961,639, plus strand): 5'-AACTGTATCAAGGAAGTGGAGCAGTTCACCCAGGTGGCCAAGGCCTACCAGGACCGCTGT[G>A]CGTGCCCCACCCACCCCCAACCCCCCACCATCCTCCTGAGGCCTGGGGGCCAGAACCATT-3'

ClinVar aggregate classification (germline): Uncertain significance (1 of 4 stars; one submission).

Submission:

Labcorp Genetics (formerly Invitae), Labcorp
Classification: Uncertain significance. Last evaluated: 2024-09-06. Review status: criteria provided, single submitter. Criteria: Invitae Variant Classification Sherloc (09022015). Collection method: clinical testing. Allele origin: germline.
Comment: This sequence change falls in intron 3 of the NDUFB10 gene. It does not directly change the encoded amino acid sequence of the NDUFB10 protein. It affects a nucleotide within the consensus splice site. This variant is not present in population databases (gnomAD no frequency). This variant has not been reported in the literature in individuals affected with NDUFB10-related conditions. Variants that disrupt the consensus splice site are a relatively common cause of aberrant splicing (PMID: 17576681, 9536098). Algorithms developed to predict the effect of sequence changes on RNA splicing suggest that this variant is not likely to affect RNA splicing. In summary, the available evidence is currently insufficient to determine the role of this variant in disease. Therefore, it has been classified as a Variant of Uncertain Significance.

Literature cited by the submitters: PubMed 17576681; PubMed 9536098.